The following is an entry in ClinVar:

NM_025114.4(CEP290):c.7035-38C>G

Gene: CEP290 (centrosomal protein 290; minus strand). Cytogenetic location: 12q21.32.
Variant type: single nucleotide variant.
Coding change: c.7035-38C>G on transcript NM_025114.4 (MANE Select); 38 bases into the intron before coding-DNA position 7035, C replaced by G.
Molecular consequence: intron variant.
Genome position (GRCh38, 1-based): chr12:88,053,784, G>C on the plus strand (C>G on the coding strand, the complement: CEP290 is on the minus strand). VCF-style: chr12-88053784-G-C. GRCh37 (hg19) VCF-style: chr12-88447561-G-C.
Identifiers: ClinVar variation 126267 (VCV000126267.8), dbSNP rs45477492, ClinGen allele CA150923.

ClinVar aggregate classification (germline): Benign. Review status: criteria provided, multiple submitters, no conflicts (2 of 4 stars). 4 submissions from 4 submitters: Benign (3). 1 of the submissions does not count toward it. Last evaluated 2018-06-16.

Allele frequency attached by ClinVar (database versions not stated): 1000 Genomes Project 30x 0.03576; TOPMed 0.03601; gnomAD 0.03735 and 0.03573; 1000 Genomes Project 0.03854; ExAC 0.01758; gnomAD exomes 0.01972 and 0.02082; ESP Exome Variant Server 0.03245.
gnomAD v4.1: 24,242 of 1,055,992 alleles (2.3%); highest among the groups gnomAD compares: African/African-American, 7.8%; 449 homozygotes.

Submissions (4):

GeneDx
Classification: Benign. Last evaluated: 2018-06-16. Review status: criteria provided, single submitter. Criteria: GeneDx Variant Classification (06012015). Collection method: clinical testing. Allele origin: germline. Affected: yes.
Comment: This variant is considered likely benign or benign based on one or more of the following criteria: it is a conservative change, it occurs at a poorly conserved position in the protein, it is predicted to be benign by multiple in silico algorithms, and/or has population frequency not consistent with disease.

Breakthrough Genomics
Classification: Benign. Review status: criteria provided, single submitter. Criteria: ACMG Guidelines, 2015. Collection method: not provided. Allele origin: germline. Inheritance: Autosomal recessive inheritance. Affected: yes.

PreventionGenetics, part of Exact Sciences
Classification: Benign. Review status: criteria provided, single submitter. Criteria: ACMG Guidelines, 2015. Collection method: clinical testing. Allele origin: germline.

Genetic Services Laboratory, University of Chicago
Classification: Likely benign for AllHighlyPenetrant. Review status: no assertion criteria provided. Collection method: clinical testing. Allele origin: germline. Inheritance: Autosomal recessive inheritance. Observed: 20 variant alleles. Not counted in ClinVar's aggregate classification.
Comment: Likely benign based on allele frequency in 1000 Genomes Project or ESP global frequency and its presence in a patient with a rare or unrelated disease phenotype. NOT Sanger confirmed.